The following is an entry in ClinVar:

NM_016026.4(RDH11):c.628A>G (p.Ile210Val)

Genes: GPHN (gephyrin; plus strand), RDH11 (retinol dehydrogenase 11; minus strand). Cytogenetic location: 14q24.1.
Variant type: single nucleotide variant.
Coding change: c.628A>G on transcript NM_016026.4 (MANE Select); coding-DNA position 628, A replaced by G.
Protein change: p.Ile210Val; replaces isoleucine 210 with valine.
Molecular consequence: missense variant. On other transcripts: intron variant (1).
Genome position (GRCh38, 1-based): chr14:67,690,248, T>C on the plus strand (A>G on the coding strand, the complement: RDH11 is on the minus strand). VCF-style: chr14-67690248-T-C. GRCh37 (hg19) VCF-style: chr14-68156965-T-C.
Other names: c.454+892A>G (NM_001252650.2); short protein forms I210V.
Identifiers: ClinVar variation 741130 (VCV000741130.14), dbSNP rs75631475, ClinGen allele CA7238346.

ClinVar aggregate classification (germline): Likely benign. Review status: criteria provided, multiple submitters, no conflicts (2 of 4 stars). 3 submissions from 3 submitters: Likely benign (2). 1 of the submissions does not count toward it. Last evaluated 2026-01-28.

Conditions:
RDH11-related disorder. Also called: RDH11-related condition.

Allele frequency attached by ClinVar (database versions not stated): gnomAD exomes 0.00011 and 0.00040; ESP Exome Variant Server 0.00015; TOPMed 0.00020; gnomAD 0.00021 and 0.00032; ExAC 0.00041; 1000 Genomes Project 30x 0.00203; 1000 Genomes Project 0.00220.
gnomAD v4.1: 270 of 1,613,936 alleles (0.017%); highest among the groups gnomAD compares: East Asian, 0.21%; 2 homozygotes.

Submissions (3):

Labcorp Genetics (formerly Invitae), Labcorp
Classification: Likely benign. Last evaluated: 2026-01-28. Review status: criteria provided, single submitter. Criteria: Invitae Variant Classification Sherloc (09022015). Collection method: clinical testing. Allele origin: germline.

Blueprint Genetics
Classification: Likely benign. Last evaluated: 2024-06-06. Review status: criteria provided, single submitter. Criteria: ACMG Guidelines, 2015. Collection method: clinical testing. Allele origin: germline.

PreventionGenetics, part of Exact Sciences
Classification: Likely benign for RDH11-related condition. Last evaluated: 2022-12-16. Review status: no assertion criteria provided. Collection method: clinical testing. Allele origin: germline. Not counted in ClinVar's aggregate classification.
Comment: This variant is classified as likely benign based on ACMG/AMP sequence variant interpretation guidelines (Richards et al. 2015 PMID: 25741868, with internal and published modifications).